The following is an entry in ClinVar:

ClinVar aggregate classification (germline): Likely benign. Review status: criteria provided, multiple submitters, no conflicts (2 of 4 stars). 3 submissions from 3 submitters: Likely benign (3). Last evaluated 2026-06-23.

Conditions:
Drash syndrome (DDS). Also called: WILMS TUMOR AND PSEUDO- OR TRUE HERMAPHRODITISM; NEPHROPATHY, WILMS TUMOR, AND GENITAL ANOMALIES. Identifiers: Orphanet 220, MedGen C0950121, MONDO:0008682, OMIM 194080.
Frasier syndrome. Identifiers: Orphanet 347, MedGen C0950122, MeSH D052159, MONDO:0007635, OMIM 136680.
Wilms tumor 1 (WT1). Also called: Wilms tumor, somatic. Identifiers: Orphanet 654, MedGen CN033288, MONDO:0008679, OMIM 194070.
11p partial monosomy syndrome (WAGR). Also called: WAGR syndrome; WAGR Complex; WAGR Spectrum Disorder; CHROMOSOME 11p13 DELETION SYNDROME. Identifiers: Orphanet 893, MedGen C0206115, MONDO:0008681, OMIM 194072.
Inborn genetic diseases. Identifiers: MedGen C0950123, MeSH D030342.

Allele frequency attached by ClinVar (database versions not stated): gnomAD exomes below 0.00001; gnomAD 0.00001; TOPMed 0.00001.
gnomAD v4.1: 3 of 1,613,332 alleles (0.00019%); highest among the groups gnomAD compares: Non-Finnish European, 0.00025%; no homozygotes.

Submissions (3):

Ambry Genetics
Classification: Likely benign for Inborn genetic diseases. Last evaluated: 2026-06-23. Review status: criteria provided, single submitter. Criteria: Ambry Variant Classification Scheme 2023. Collection method: clinical testing. Allele origin: germline.

Labcorp Genetics (formerly Invitae), Labcorp
Classification: Likely benign for Wilms tumor 1; Drash syndrome; 11p partial monosomy syndrome; Frasier syndrome. Last evaluated: 2024-05-29. Review status: criteria provided, single submitter. Criteria: Invitae Variant Classification Sherloc (09022015). Collection method: clinical testing. Allele origin: germline.

All of Us Research Program, National Institutes of Health
Classification: Likely benign for Wilms tumor 1. Last evaluated: 2023-06-26. Review status: criteria provided, single submitter. Criteria: ACMG Guidelines, 2015. Collection method: clinical testing. Allele origin: germline. Inheritance: Autosomal dominant inheritance. Observed: 1 variant allele, 1 heterozygote.
Comment: This study involves interpretation of variants in research participants for the purpose of population health screening. Participant phenotype was not available at the time of variant classification. Additional details can be found in publication PMID: 35346344, PMCID: PMC8962531

NM_024426.6(WT1):c.1265-4C>T

Gene: WT1 (WT1 transcription factor; minus strand). Cytogenetic location: 11p13.
Variant type: single nucleotide variant.
Coding change: c.1265-4C>T on transcript NM_024426.6 (MANE Select); 4 bases into the intron before coding-DNA position 1265, C replaced by T.
Molecular consequence: intron variant.
Genome position (GRCh38, 1-based): chr11:32,392,759, G>A on the plus strand (C>T on the coding strand, the complement: WT1 is on the minus strand). VCF-style: chr11-32392759-G-A. GRCh37 (hg19) VCF-style: chr11-32414305-G-A.
Other names: c.1091-4C>T (NM_001407050.1); c.1142-4C>T (NM_001407047.1); c.1214-695C>T (NM_001407048.1); c.1214-4C>T (NM_001407049.1, NM_000378.6, NM_001407045.1); c.1259-4C>T (NM_001407044.1); c.1265-4C>T (NM_001407046.1, NM_024424.5); c.503-4C>T (NM_001407051.1); c.563-4C>T (NM_001198552.2); and 2 more.
Identifiers: ClinVar variation 414078 (VCV000414078.15), dbSNP rs918343735, ClinGen allele CA16613315.